The following is an entry in ClinVar:

NM_001267550.2(TTN):c.10120A>G (p.Lys3374Glu)

Gene: TTN (titin; minus strand). Cytogenetic location: 2q31.2.
Variant type: single nucleotide variant.
Coding change: c.10120A>G on transcript NM_001267550.2 (MANE Select); coding-DNA position 10120, A replaced by G.
Protein change: p.Lys3374Glu; replaces lysine 3374 with glutamic acid.
Molecular consequence: missense variant.
Genome position (GRCh38, 1-based): chr2:178,759,167, T>C on the plus strand (A>G on the coding strand, the complement: TTN is on the minus strand). VCF-style: chr2-178759167-T-C. GRCh37 (hg19) VCF-style: chr2-179623894-T-C.
Other names: c.10120A>G, p.Lys3374Glu (NM_001256850.1, NM_133378.4, NM_133379.5); c.9982A>G, p.Lys3328Glu (NM_003319.4, NM_133432.3, NM_133437.4); short protein forms K3374E, K3328E.
Identifiers: ClinVar variation 5006163 (VCV005006163.2).

ClinVar aggregate classification (germline): Uncertain significance (1 of 4 stars; one submission).

Conditions:
Hypertrophic cardiomyopathy 9. Also called: Familial hypertrophic cardiomyopathy 9. Identifiers: MedGen C1861065, MONDO:0013412, OMIM 613765.
Myopathy, myofibrillar, 9, with early respiratory failure (MFM9). Also called: Hereditary myopathy with early respiratory failure; EDSTROM MYOPATHY; MYOPATHY, PROXIMAL, WITH EARLY RESPIRATORY MUSCLE INVOLVEMENT; Myopathy, distal, with early respiratory failure, autosomal dominant. Identifiers: Orphanet 178464, Orphanet 34521, MedGen C1863599, MONDO:0011362, OMIM 603689.
Early-onset myopathy with fatal cardiomyopathy (CMYO5). Also called: CONGENITAL MYOPATHY 5 WITH CARDIOMYOPATHY; Salih Myopathy. Identifiers: Orphanet 289377, MedGen C2673677, MONDO:0012714, OMIM 611705. Disease mechanism: loss of function.
Autosomal recessive limb-girdle muscular dystrophy type 2J (LGMDR10). Also called: Limb-girdle muscular dystrophy, type 2J; MUSCULAR DYSTROPHY, LIMB-GIRDLE, AUTOSOMAL RECESSIVE 10. Identifiers: Orphanet 140922, MedGen C1837342, MONDO:0012127, OMIM 608807.
Dilated cardiomyopathy 1G (CMD1G). Identifiers: Orphanet 154, MedGen C1858763, MONDO:0011400, OMIM 604145.
Tibial muscular dystrophy (TMD). Also called: UDD MYOPATHY; Udd Distal Myopathy – Tibial Muscular Dystrophy; Tibial muscular dystrophy, tardive. Identifiers: Orphanet 609, MedGen C1838244, MONDO:0010870, OMIM 600334.

gnomAD v4.1: 9 of 1,613,948 alleles (0.00056%); highest among the groups gnomAD compares: Admixed American, 0.0017%; no homozygotes.

Submission:

Juno Genomics, Hangzhou Juno Genomics, Inc
Classification: Uncertain significance for Hypertrophic cardiomyopathy 9; Myopathy, myofibrillar, 9, with early respiratory failure; Tibial muscular dystrophy; Early-onset myopathy with fatal cardiomyopathy; Dilated cardiomyopathy 1G; Autosomal recessive limb-girdle muscular dystrophy type 2J. Review status: criteria provided, single submitter. Criteria: ACMG Guidelines, 2015. Collection method: clinical testing. Allele origin: germline.
Comment: Absent from controls (or at extremely low frequency if recessive) in Genome Aggregation Database.;Missense variant in a gene that has a low rate of benign missense variation.;Multiple lines of computational evidence suggest no impact on gene or gene product.